The following is an entry in ClinVar:

ClinVar aggregate classification (germline): Conflicting classifications of pathogenicity. Review status: criteria provided, conflicting classifications (1 of 4 stars). 2 submissions from 2 submitters: Uncertain significance (1); Likely benign (1). Last evaluated 2023-03-27.

Conditions:
Cardiovascular phenotype. Identifiers: MedGen CN230736.

Allele frequency attached by ClinVar (database versions not stated): gnomAD exomes below 0.00001.

Submissions (3):

Ambry Genetics
Classification: Uncertain significance for Cardiovascular phenotype. Last evaluated: 2023-03-27. Review status: criteria provided, single submitter. Criteria: Ambry Variant Classification Scheme 2023. Collection method: clinical testing. Allele origin: germline.
Comment: The p.S38N variant (also known as c.113G>A), located in coding exon 1 of the KCNE1 gene, results from a G to A substitution at nucleotide position 113. The serine at codon 38 is replaced by asparagine, an amino acid with highly similar properties. This amino acid position is conserved. In addition, this alteration is predicted to be tolerated by in silico analysis. Since supporting evidence is limited at this time, the clinical significance of this alteration remains unclear.

GeneDx
Classification: Likely benign. Last evaluated: 2016-07-25. Review status: criteria provided, single submitter. Criteria: GeneDx Variant Classification (06012015). Collection method: clinical testing. Allele origin: germline. Affected: yes.
Comment: This variant is considered likely benign or benign based on one or more of the following criteria: it is a conservative change, it occurs at a poorly conserved position in the protein, it is predicted to be benign by multiple in silico algorithms, and/or has population frequency not consistent with disease.

Roden Lab, Vanderbilt University Medical Center
No classification provided (evidence only). Condition: Long QT syndrome 5. Review status: no classification provided. Collection method: in vitro. Allele origin: not applicable. Functional consequence: Effect on ion channel function. Not counted in ClinVar's aggregate classification.
ClinVar note: "not provided" was previously submitted as the classification for the variant. However, the classification appeared to be based only on an observation of functional data so it was converted to no classification on 2025-07-30.

NM_000219.6(KCNE1):c.113G>A (p.Ser38Asn)

Gene: KCNE1 (potassium voltage-gated channel subfamily E regulatory subunit 1; minus strand). Cytogenetic location: 21q22.12.
Variant type: single nucleotide variant.
Coding change: c.113G>A on transcript NM_000219.6 (MANE Select); coding-DNA position 113, G replaced by A.
Protein change: p.Ser38Asn; replaces serine 38 with asparagine.
Molecular consequence: missense variant.
Genome position (GRCh38, 1-based): chr21:34,449,522, C>T on the plus strand (G>A on the coding strand, the complement: KCNE1 is on the minus strand). VCF-style: chr21-34449522-C-T. GRCh37 (hg19) VCF-style: chr21-35821820-C-T.
Other names: c.113G>A, p.Ser38Asn (NM_001127668.4, NM_001127669.4, NM_001127670.4 and 4 more transcripts); short protein forms S38N.
Identifiers: ClinVar variation 388079 (VCV000388079.5), dbSNP rs1057522990, ClinGen allele CA16608493.